The following is an entry in ClinVar:

NM_030948.6(PHACTR1):c.840C>T (p.Pro280=)

Gene: PHACTR1 (phosphatase and actin regulator 1; plus strand). Cytogenetic location: 6p24.1.
Variant type: single nucleotide variant.
Coding change: c.840C>T on transcript NM_030948.6 (MANE Select); coding-DNA position 840, C replaced by T.
Protein change: p.Pro280=; no amino-acid change (proline 280 retained).
Molecular consequence: synonymous variant.
Genome position (GRCh38, 1-based): chr6:13,205,990, C>T. VCF-style: chr6-13205990-C-T. GRCh37 (hg19) VCF-style: chr6-13206222-C-T.
Other names: c.840C>T, p.Pro280= (NM_001242648.4, NM_001322308.3, NM_001322309.3 and 1 more transcripts); c.1047C>T, p.Pro349= (NM_001322310.2, NM_001374582.1); c.564C>T, p.Pro188= (NM_001322311.2, NM_001322312.3, NM_001374583.2); c.771C>T, p.Pro257= (NM_001322313.2); c.1050C>T, p.Pro350= (NM_001322314.4).
Identifiers: ClinVar variation 3057182 (VCV003057182.3), dbSNP rs534478686, ClinGen allele CA3639187.

ClinVar aggregate classification (germline): Likely benign. Review status: criteria provided, single submitter (1 of 4 stars). 2 submissions from 2 submitters: Likely benign (1). 1 of the submissions does not count toward it. Last evaluated 2024-06-12.

Conditions:
PHACTR1-related disorder. Also called: PHACTR1-related condition.

Allele frequency attached by ClinVar (database versions not stated): gnomAD exomes 0.00003; TOPMed 0.00006; gnomAD 0.00007; 1000 Genomes Project 30x 0.00016; 1000 Genomes Project 0.00020; ExAC 0.00020.
gnomAD v4.1: 57 of 1,614,034 alleles (0.0035%); highest among the groups gnomAD compares: East Asian, 0.12%; no homozygotes.

Submissions (2):

Blueprint Genetics
Classification: Likely benign. Last evaluated: 2024-06-12. Review status: criteria provided, single submitter. Criteria: ACMG Guidelines, 2015. Collection method: clinical testing. Allele origin: germline.

PreventionGenetics, part of Exact Sciences
Classification: Likely benign for PHACTR1-related condition. Last evaluated: 2019-08-09. Review status: no assertion criteria provided. Collection method: clinical testing. Allele origin: germline. Not counted in ClinVar's aggregate classification.
Comment: This variant is classified as likely benign based on ACMG/AMP sequence variant interpretation guidelines (Richards et al. 2015 PMID: 25741868, with internal and published modifications).